The following is an entry in ClinVar:

ClinVar aggregate classification (germline): Uncertain significance (1 of 4 stars; one submission).

Conditions:
Inborn genetic diseases. Identifiers: MedGen C0950123, MeSH D030342.

Submission:

Ambry Genetics
Classification: Uncertain significance for Inborn genetic diseases. Last evaluated: 2023-10-22. Review status: criteria provided, single submitter. Criteria: Ambry Variant Classification Scheme 2023. Collection method: clinical testing. Allele origin: germline.
Comment: The p.G1045E variant (also known as c.3134G>A), located in coding exon 23 of the BUB1B gene, results from a G to A substitution at nucleotide position 3134. The glycine at codon 1045 is replaced by glutamic acid, an amino acid with similar properties. This amino acid position is conserved. In addition, this alteration is predicted to be tolerated by in silico analysis. Since supporting evidence is limited at this time, the clinical significance of this alteration remains unclear.

NM_001211.6(BUB1B):c.3134G>A (p.Gly1045Glu)

Genes: BUB1B (BUB1 mitotic checkpoint serine/threonine kinase B; plus strand), BUB1B-PAK6 (BUB1B-PAK6 readthrough; plus strand). Cytogenetic location: 15q15.1.
Variant type: single nucleotide variant.
Coding change: c.3134G>A on transcript NM_001211.6 (MANE Select); coding-DNA position 3134, G replaced by A.
Protein change: p.Gly1045Glu; replaces glycine 1045 with glutamic acid.
Molecular consequence: missense variant. On other transcripts: intron variant (2).
Genome position (GRCh38, 1-based): chr15:40,220,740, G>A. VCF-style: chr15-40220740-G-A. GRCh37 (hg19) VCF-style: chr15-40512941-G-A.
Other names: c.-201+3073G>A (NM_001128628.3); c.-118+3073G>A (NM_001128629.3); short protein forms G1045E.
Identifiers: ClinVar variation 3221424 (VCV003221424.1), dbSNP rs2542594471, ClinGen allele CA391690567.
Genomic context (GRCh38, chr15:40,220,740, plus strand): 5'-CTACATTCCAAAGTCACCTGAACAAAGCCTTATGGAAGGTAGGGAAGTTAACTAGTCCTG[G>A]GGCTTTGCTCTTTCAGTGAGCTAGGCAATCAAGTCTCACAGATTGCTGCCTCAGAGCAAT-3'
Protein context (NP_001202.5, residues 1035-1050): LWKVGKLTSP[Gly1045Glu]ALLFQ